The following is an entry in ClinVar:

NM_001379659.1(ZNF142):c.3659G>A (p.Arg1220His)

Gene: ZNF142 (zinc finger protein 142; minus strand). Cytogenetic location: 2q35.
Variant type: single nucleotide variant.
Coding change: c.3659G>A on transcript NM_001379659.1 (MANE Select); coding-DNA position 3659, G replaced by A.
Protein change: p.Arg1220His; replaces arginine 1220 with histidine.
Molecular consequence: missense variant.
Genome position (GRCh38, 1-based): chr2:218,643,457, C>T on the plus strand (G>A on the coding strand, the complement: ZNF142 is on the minus strand). VCF-style: chr2-218643457-C-T. GRCh37 (hg19) VCF-style: chr2-219508180-C-T.
Other names: c.3059G>A, p.Arg1020His (NM_001105537.5, NM_001366291.3, NM_001379662.1); c.2570G>A, p.Arg857His (NM_001366287.3, NM_001366288.3, NM_001366289.3); c.3659G>A, p.Arg1220His (NM_001366290.3, NM_001379660.1, NM_001379661.1); short protein forms R1020H, R1220H, R857H.
Identifiers: ClinVar variation 3730917 (VCV003730917.1).

ClinVar aggregate classification (germline): Uncertain significance (1 of 4 stars; one submission).

Submission:

GeneDx
Classification: Uncertain significance. Last evaluated: 2024-08-13. Review status: criteria provided, single submitter. Criteria: GeneDx Variant Classification Process June 2021. Collection method: clinical testing. Allele origin: germline. Affected: yes.
Comment: In silico analysis indicates that this missense variant does not alter protein structure/function; Has not been previously published as pathogenic or benign to our knowledge